The following is an entry in ClinVar:

ClinVar aggregate classification (germline): Uncertain significance (1 of 4 stars; one submission).

Allele frequency attached by ClinVar (database versions not stated): TOPMed below 0.00001; gnomAD 0.00001.

Submission:

Labcorp Genetics (formerly Invitae), Labcorp
Classification: Uncertain significance. Last evaluated: 2022-11-07. Review status: criteria provided, single submitter. Criteria: Invitae Variant Classification Sherloc (09022015). Collection method: clinical testing. Allele origin: germline.
Comment: Algorithms developed to predict the effect of missense changes on protein structure and function are either unavailable or do not agree on the potential impact of this missense change (SIFT: "Deleterious"; PolyPhen-2: "Probably Damaging"; Align-GVGD: "Class C0"). In summary, the available evidence is currently insufficient to determine the role of this variant in disease. Therefore, it has been classified as a Variant of Uncertain Significance. This sequence change replaces cysteine, which is neutral and slightly polar, with tyrosine, which is neutral and polar, at codon 1321 of the GPR179 protein (p.Cys1321Tyr). This variant is not present in population databases (gnomAD no frequency). This variant has not been reported in the literature in individuals affected with GPR179-related conditions. ClinVar contains an entry for this variant (Variation ID: 1441177).

NM_001004334.4(GPR179):c.3962G>A (p.Cys1321Tyr)

Gene: GPR179 (G protein-coupled receptor 179; minus strand). Cytogenetic location: 17q12.
Variant type: single nucleotide variant.
Coding change: c.3962G>A on transcript NM_001004334.4 (MANE Select); coding-DNA position 3962, G replaced by A.
Protein change: p.Cys1321Tyr; replaces cysteine 1321 with tyrosine.
Molecular consequence: missense variant.
Genome position (GRCh38, 1-based): chr17:38,329,607, C>T on the plus strand (G>A on the coding strand, the complement: GPR179 is on the minus strand). VCF-style: chr17-38329607-C-T. GRCh37 (hg19) VCF-style: chr17-36485490-C-T.
Other names: short protein forms C1321Y.
Identifiers: ClinVar variation 1441177 (VCV001441177.8), dbSNP rs1316479141, ClinGen allele CA398878005.